The following is an entry in ClinVar:

ClinVar aggregate classification (germline): Likely benign. Review status: criteria provided, multiple submitters, no conflicts (2 of 4 stars). 6 submissions from 6 submitters: Likely benign (6). Last evaluated 2025-10-03.

Conditions:
Cardiovascular phenotype. Identifiers: MedGen CN230736.
Arrhythmogenic right ventricular cardiomyopathy (ARVD). Also called: Arrhythmogenic cardiomyopathy; Arrhythmogenic Right Ventricular Cardiomyopathy (ARVC); Cardiomyopathy, ARVC; Arrhythmogenic right ventricular dysplasia. Identifiers: Orphanet 247, MedGen C0349788, MeSH D019571, MONDO:0016587. Disease mechanism: loss of function. Inheritance: Various modes of inheritance.
Arrhythmogenic right ventricular dysplasia 9 (ARVD9). Also called: Arrhythmogenic Right Ventricular Dysplasia/Cardiomyopathy 9; ARRHYTHMOGENIC RIGHT VENTRICULAR DYSPLASIA, FAMILIAL, 9. Identifiers: MedGen C1836906, MONDO:0012180, OMIM 609040.
Cardiomyopathy (CMYO). Also called: Cardiomyopathies. Identifiers: Orphanet 167848, MedGen C0878544, MONDO:0004994, HP:0001638. Inheritance: Various modes of inheritance.

Allele frequency attached by ClinVar (database versions not stated): ExAC 0.00001; gnomAD 0.00001; gnomAD exomes 0.00001 and 0.00002; TOPMed 0.00005.
gnomAD v4.1: 21 of 1,612,718 alleles (0.0013%); highest among the groups gnomAD compares: Admixed American, 0.005%; no homozygotes.

Submissions (6):

Labcorp Genetics (formerly Invitae), Labcorp
Classification: Likely benign for Arrhythmogenic right ventricular dysplasia 9. Last evaluated: 2025-10-03. Review status: criteria provided, single submitter. Criteria: Invitae Variant Classification Sherloc (09022015). Collection method: clinical testing. Allele origin: germline.

All of Us Research Program, National Institutes of Health
Classification: Likely benign for Arrhythmogenic right ventricular cardiomyopathy. Last evaluated: 2024-02-05. Review status: criteria provided, single submitter. Criteria: ACMG Guidelines, 2015. Collection method: clinical testing. Allele origin: germline. Inheritance: Autosomal dominant inheritance. Observed: 6 variant alleles, 6 heterozygotes.
Comment: This study involves interpretation of variants in research participants for the purpose of population health screening. Participant phenotype was not available at the time of variant classification. Additional details can be found in publication PMID: 35346344, PMCID: PMC8962531

GeneDx
Classification: Likely benign. Last evaluated: 2021-04-26. Review status: criteria provided, single submitter. Criteria: GeneDx Variant Classification Process June 2021. Collection method: clinical testing. Allele origin: germline. Affected: yes.

Ambry Genetics
Classification: Likely benign for Cardiovascular phenotype. Last evaluated: 2020-01-16. Review status: criteria provided, single submitter. Criteria: Ambry Variant Classification Scheme 2023. Collection method: clinical testing. Allele origin: germline.

Women's Health and Genetics/Laboratory Corporation of America, LabCorp
Classification: Likely benign. Last evaluated: 2019-08-29. Review status: criteria provided, single submitter. Criteria: LabCorp Variant Classification Summary - May 2015. Collection method: clinical testing. Allele origin: germline.

Color Diagnostics, LLC DBA Color Health
Classification: Likely benign for Cardiomyopathy. Last evaluated: 2018-08-17. Review status: criteria provided, single submitter. Criteria: ACMG Guidelines, 2015. Collection method: clinical testing. Allele origin: germline.

NM_001005242.3(PKP2):c.2217G>A (p.Pro739=)

Gene: PKP2 (plakophilin 2; minus strand). Cytogenetic location: 12p11.21.
Variant type: single nucleotide variant.
Coding change: c.2217G>A on transcript NM_001005242.3 (MANE Select); coding-DNA position 2217, G replaced by A.
Protein change: p.Pro739=; no amino-acid change (proline 739 retained).
Molecular consequence: synonymous variant.
Genome position (GRCh38, 1-based): chr12:32,796,249, C>T on the plus strand (G>A on the coding strand, the complement: PKP2 is on the minus strand). VCF-style: chr12-32796249-C-T. GRCh37 (hg19) VCF-style: chr12-32949183-C-T.
Other names: c.2349G>A, p.Pro783= (NM_004572.4).
Identifiers: ClinVar variation 496259 (VCV000496259.18), dbSNP rs753226330, ClinGen allele CA034849.